The following is an entry in ClinVar:

ClinVar aggregate classification (germline): Uncertain significance. Review status: criteria provided, multiple submitters, no conflicts (2 of 4 stars). 3 submissions from 3 submitters: Uncertain significance (3). Last evaluated 2026-08-06.

Conditions:
RIPOR2-related disorder. Also called: RIPOR2-related condition.

Allele frequency attached by ClinVar (database versions not stated): ExAC 0.00008; gnomAD 0.00009; TOPMed 0.00011; ESP Exome Variant Server 0.00016; gnomAD exomes 0.00034.
gnomAD v4.1: 476 of 1,535,484 alleles (0.031%); highest among the groups gnomAD compares: Non-Finnish European, 0.039%; no homozygotes.

Submissions (3):

PreventionGenetics, part of Exact Sciences
Classification: Uncertain significance for RIPOR2-related condition. Last evaluated: 2026-08-06. Review status: criteria provided, single submitter. Criteria: ACMG Guidelines, 2015. Collection method: clinical testing. Allele origin: germline.
Comment: The RIPOR2 c.1267G>A variant is predicted to result in the amino acid substitution p.Ala423Thr. To our knowledge, this variant has not been reported in the literature. This variant is reported in 0.017% of alleles in individuals of European (Non-Finnish) descent in gnomAD. At this time, the clinical significance of this variant is uncertain due to the absence of conclusive functional and genetic evidence.

Labcorp Genetics (formerly Invitae), Labcorp
Classification: Uncertain significance. Last evaluated: 2025-08-22. Review status: criteria provided, single submitter. Criteria: Invitae Variant Classification Sherloc (09022015). Collection method: clinical testing. Allele origin: germline.
Comment: This sequence change replaces alanine, which is neutral and non-polar, with threonine, which is neutral and polar, at codon 423 of the FAM65B protein (p.Ala423Thr). This variant is present in population databases (rs372820614, gnomAD 0.02%). This variant has not been reported in the literature in individuals affected with FAM65B-related conditions. ClinVar contains an entry for this variant (Variation ID: 2752134). An algorithm developed to predict the effect of missense changes on protein structure and function outputs the following: PolyPhen-2: "Benign". The threonine amino acid residue is found in multiple mammalian species, which suggests that this missense change does not adversely affect protein function. In summary, the available evidence is currently insufficient to determine the role of this variant in disease. Therefore, it has been classified as a Variant of Uncertain Significance.

Ambry Genetics
Classification: Uncertain significance. Last evaluated: 2023-09-18. Review status: criteria provided, single submitter. Criteria: Ambry Variant Classification Scheme 2023. Collection method: clinical testing. Allele origin: germline.

NM_001286445.3(RIPOR2):c.1204G>A (p.Ala402Thr)

Gene: RIPOR2 (RHO family interacting cell polarization regulator 2; minus strand). Cytogenetic location: 6p22.3.
Variant type: single nucleotide variant.
Coding change: c.1204G>A on transcript NM_001286445.3 (MANE Select); coding-DNA position 1204, G replaced by A.
Protein change: p.Ala402Thr; replaces alanine 402 with threonine.
Molecular consequence: missense variant.
Genome position (GRCh38, 1-based): chr6:24,843,515, C>T on the plus strand (G>A on the coding strand, the complement: RIPOR2 is on the minus strand). VCF-style: chr6-24843515-C-T. GRCh37 (hg19) VCF-style: chr6-24843743-C-T.
Other names: c.1267G>A (NM_014722.4); c.1219G>A, p.Ala407Thr (NM_001286446.3); c.1117G>A, p.Ala373Thr (NM_001286447.2, NM_001346031.2, NM_001346032.2 and 1 more transcripts); c.1267G>A, p.Ala423Thr (NM_014722.5); short protein forms A407T, A373T, A423T, A402T.
Identifiers: ClinVar variation 2752134 (VCV002752134.5), dbSNP rs372820614, ClinGen allele CA3659285.